The following is an entry in ClinVar:

NM_020937.4(FANCM):c.5014G>T (p.Asp1672Tyr)

Gene: FANCM (FA complementation group M; plus strand). Cytogenetic location: 14q21.2.
Variant type: single nucleotide variant.
Coding change: c.5014G>T on transcript NM_020937.4 (MANE Select); coding-DNA position 5014, G replaced by T.
Protein change: p.Asp1672Tyr; replaces aspartic acid 1672 with tyrosine.
Molecular consequence: missense variant.
Genome position (GRCh38, 1-based): chr14:45,189,036, G>T. VCF-style: chr14-45189036-G-T. GRCh37 (hg19) VCF-style: chr14-45658239-G-T.
Other names: c.4936G>T, p.Asp1646Tyr (NM_001308133.2); short protein forms D1646Y, D1672Y.
Identifiers: ClinVar variation 4022836 (VCV004022836.1).

ClinVar aggregate classification (germline): Uncertain significance (1 of 4 stars; one submission).

Conditions:
Inborn genetic diseases. Identifiers: MedGen C0950123, MeSH D030342.

Submission:

Ambry Genetics
Classification: Uncertain significance for Inborn genetic diseases. Last evaluated: 2025-05-31. Review status: criteria provided, single submitter. Criteria: Ambry Variant Classification Scheme 2023. Collection method: clinical testing. Allele origin: germline.
Comment: The p.D1672Y variant (also known as c.5014G>T), located in coding exon 20 of the FANCM gene, results from a G to T substitution at nucleotide position 5014. The aspartic acid at codon 1672 is replaced by tyrosine, an amino acid with highly dissimilar properties. This amino acid position is conserved. In addition, the in silico prediction for this alteration is inconclusive. Based on the available evidence, the clinical significance of this variant remains unclear.